The following is an entry in ClinVar:

ClinVar aggregate classification (germline): Pathogenic (1 of 4 stars; one submission).

Conditions:
Hereditary breast ovarian cancer syndrome. Also called: Hereditary breast and ovarian cancer; Hereditary breast and ovarian cancer syndrome; Hereditary breast and/or ovarian cancer syndrome; Hereditary breast and ovarian cancer syndrome (HBOC); Breast and ovarian cancer; BRCA1- and BRCA2-Associated Hereditary Breast and Ovarian Cancer. Identifiers: Orphanet 145, MedGen C0677776, MeSH D061325, MONDO:0003582. Disease mechanism: loss of function.

Submission:

Women's Health and Genetics/Laboratory Corporation of America, LabCorp
Classification: Pathogenic for Hereditary breast ovarian cancer syndrome. Last evaluated: 2025-09-22. Review status: criteria provided, single submitter. Criteria: LabCorp Variant Classification Summary - May 2015. Collection method: clinical testing. Allele origin: germline.
Comment: Variant summary: PALB2 c.3247_3250delGAGT (p.Glu1083ArgfsX11) results in a premature termination codon, predicted to cause a truncation of the encoded protein or absence of the protein due to nonsense mediated decay, which are commonly known mechanisms for disease. The variant was absent in 251478 control chromosomes. To our knowledge, no occurrence of c.3247_3250delGAGT in individuals affected with PALB2-related conditions and no experimental evidence demonstrating its impact on protein function have been reported. No submitters have cited clinical-significance assessments for this variant to ClinVar. Based on the evidence outlined above, the variant was classified as pathogenic.

NM_024675.4(PALB2):c.3247_3250del (p.Glu1083fs)

Gene: PALB2 (partner and localizer of BRCA2; minus strand). Cytogenetic location: 16p12.2.
Variant type: Microsatellite.
Coding change: c.3247_3250del on transcript NM_024675.4 (MANE Select); coding-DNA positions 3247 to 3250, 4 bases deleted (GAGT; older notation c.3247_3250delGAGT).
Protein change: p.Glu1083fs; shifts the reading frame from glutamic acid 1083.
Molecular consequence: frameshift variant. On other transcripts: intron variant (8).
Genome position (GRCh38, 1-based): chr16:23,607,964-23,607,967, ACTC deleted on the plus strand (GAGT on the coding strand, the reverse complement: PALB2 is on the minus strand); deleting any 4 consecutive bases within chr16:23,607,964-23,607,971 gives the same sequence; the c. name uses the placement nearest the transcript's 3' end. VCF-style (leftmost placement, unchanged base first): chr16-23607963-GACTC-G. GRCh37 (hg19) VCF-style: chr16-23619284-GACTC-G.
Other names: c.3247_3250delGAGT (NM_024675.4); c.3187_3190del, p.Glu1063fs (NM_001407296.1); c.3175_3178del, p.Glu1059fs (NM_001407297.1); c.3085_3088del, p.Glu1029fs (NM_001407298.1); c.2968_2971del, p.Glu990fs (NM_001407300.1); c.2362_2365del, p.Glu788fs (NM_001407304.1, NM_001407305.1, NM_001407306.1); c.2200_2203del, p.Glu734fs (NM_001407307.1); c.1459_1462del, p.Glu487fs (NM_001407312.1); and 7 more; short protein forms E1029fs, E1059fs, E1063fs, E1083fs, E261fs, E487fs, E734fs, E788fs.
Identifiers: ClinVar variation 4536096 (VCV004536096.1).
Genomic context (GRCh38, chr16:23,607,963, plus strand): 5'-CCCACGCTGAGAGTCGTCTTAGGGTTAATCACAATGAGCTGAAACACAGGGCTTCGCAAC[GACTC>G]ACTCTCTTTGGCACAGGGATGACTCAGGACAATAAAGAGAAGCCCCTAATTTCGGAGAAA-3'